The following is an entry in ClinVar:

ClinVar aggregate classification (germline): Likely benign (1 of 4 stars; one submission).

Conditions:
PCDHGC4-related disorder. Also called: PCDHGC4-related condition.

gnomAD v4.1: 268 of 1,614,058 alleles (0.017%); highest among the groups gnomAD compares: African/African-American, 0.17%; no homozygotes.

Submission:

PreventionGenetics, part of Exact Sciences
Classification: Likely benign for PCDHGC4-related condition. Last evaluated: 2025-02-10. Review status: criteria provided, single submitter. Criteria: ACMG Guidelines, 2015. Collection method: clinical testing. Allele origin: germline.
Comment: This variant is classified as likely benign based on ACMG/AMP sequence variant interpretation guidelines (Richards et al. 2015 PMID: 25741868, with internal and published modifications).

NM_018928.3(PCDHGC4):c.1146C>T (p.Asn382=)

Genes: PCDHG@ (protocadherin gamma cluster; plus strand), PCDHGA1 (protocadherin gamma subfamily A, 1; plus strand), PCDHGA10 (protocadherin gamma subfamily A, 10; plus strand), PCDHGA11 (protocadherin gamma subfamily A, 11; plus strand), PCDHGA12 (protocadherin gamma subfamily A, 12; plus strand) and 17 more. Cytogenetic location: 5q31.3.
Variant type: single nucleotide variant.
Coding change: c.1146C>T on transcript NM_018928.3 (MANE Select); coding-DNA position 1146, C replaced by T.
Protein change: p.Asn382=; no amino-acid change (asparagine 382 retained).
Molecular consequence: synonymous variant. On other transcripts: intron variant (23).
Genome position (GRCh38, 1-based): chr5:141,486,319, C>T. VCF-style: chr5-141486319-C-T. GRCh37 (hg19) VCF-style: chr5-140865886-C-T.
Other names: c.1146C>T, p.Asn382= (NM_032406.1); c.2422-8488C>T (NM_018912.3, NM_018923.3, NM_018918.3); c.2425-8488C>T (NM_018915.4, NM_018916.4, NM_018919.3 and 4 more transcripts); c.2410-8488C>T (NM_018922.3); c.2515-8488C>T (NM_018917.4); c.2416-8488C>T (NM_018924.5, NM_018927.4); c.2398-8488C>T (NM_003736.4, NM_018925.3); c.2419-8488C>T (NM_018926.3); and 6 more.
Identifiers: ClinVar variation 4982165 (VCV004982165.1).
Genomic context (GRCh38, chr5:141,486,319, plus strand): 5'-TGCAGAACCTGGCACTGTGGTGGCACTTATCAGTGTGCAGGATCCAGACTCAGGGTCAAA[C>T]GGAGATGTGAGCCTCCGCATTCCTGACCACTTGCCATTTGCCCTCAAGTCTGCCTTCAGG-3'
Protein context (NP_061751.1, residues 372-392): ISVQDPDSGS[Asn382=]GDVSLRIPDH